The following is an entry in ClinVar:

NM_152383.5(DIS3L2):c.490G>A (p.Val164Ile)

Gene: DIS3L2 (DIS3 like 3'-5' exoribonuclease 2; plus strand). Cytogenetic location: 2q37.1.
Variant type: single nucleotide variant.
Coding change: c.490G>A on transcript NM_152383.5 (MANE Select); coding-DNA position 490, G replaced by A.
Protein change: p.Val164Ile; replaces valine 164 with isoleucine.
Molecular consequence: missense variant. On other transcripts: non-coding transcript variant (2).
Genome position (GRCh38, 1-based): chr2:232,087,610, G>A. VCF-style: chr2-232087610-G-A. GRCh37 (hg19) VCF-style: chr2-232952320-G-A.
Other names: c.490G>A, p.Val164Ile (NM_001257281.2, NM_001257282.2); short protein forms V164I.
Identifiers: ClinVar variation 1047655 (VCV001047655.8), dbSNP rs1696703009, ClinGen allele CA351155091.

ClinVar aggregate classification (germline): Uncertain significance (1 of 4 stars; one submission).

Conditions:
Perlman syndrome (PRLMNS). Identifiers: Orphanet 2849, MedGen C0796113, MONDO:0009965, OMIM 267000.

gnomAD v4.1: 1 of 1,614,154 alleles (0.000062%); no homozygotes.

Submission:

Labcorp Genetics (formerly Invitae), Labcorp
Classification: Uncertain significance for Perlman syndrome. Last evaluated: 2022-02-10. Review status: criteria provided, single submitter. Criteria: Invitae Variant Classification Sherloc (09022015). Collection method: clinical testing. Allele origin: germline.
Comment: This sequence change replaces valine, which is neutral and non-polar, with isoleucine, which is neutral and non-polar, at codon 164 of the DIS3L2 protein (p.Val164Ile). In summary, the available evidence is currently insufficient to determine the role of this variant in disease. Therefore, it has been classified as a Variant of Uncertain Significance. Algorithms developed to predict the effect of missense changes on protein structure and function (SIFT, PolyPhen-2, Align-GVGD) all suggest that this variant is likely to be tolerated. ClinVar contains an entry for this variant (Variation ID: 1047655). This variant has not been reported in the literature in individuals affected with DIS3L2-related conditions. This variant is not present in population databases (gnomAD no frequency).